The following is an entry in ClinVar:

ClinVar aggregate classification (germline): Uncertain significance (1 of 4 stars; one submission).

Submission:

Labcorp Genetics (formerly Invitae), Labcorp
Classification: Uncertain significance. Last evaluated: 2024-07-30. Review status: criteria provided, single submitter. Criteria: Invitae Variant Classification Sherloc (09022015). Collection method: clinical testing. Allele origin: germline.
Comment: This sequence change replaces leucine, which is neutral and non-polar, with phenylalanine, which is neutral and non-polar, at codon 361 of the SON protein (p.Leu361Phe). This variant is present in population databases (rs561194735, gnomAD 0.003%). This variant has not been reported in the literature in individuals affected with SON-related conditions. An algorithm developed to predict the effect of missense changes on protein structure and function (PolyPhen-2) suggests that this variant is likely to be disruptive. In summary, the available evidence is currently insufficient to determine the role of this variant in disease. Therefore, it has been classified as a Variant of Uncertain Significance.

NM_138927.4(SON):c.1083G>C (p.Leu361Phe)

Gene: SON (SON DNA and RNA binding protein; plus strand). Cytogenetic location: 21q22.11.
Variant type: single nucleotide variant.
Coding change: c.1083G>C on transcript NM_138927.4 (MANE Select); coding-DNA position 1083, G replaced by C.
Protein change: p.Leu361Phe; replaces leucine 361 with phenylalanine.
Molecular consequence: missense variant. On other transcripts: non-coding transcript variant (1), intron variant (1).
Genome position (GRCh38, 1-based): chr21:33,550,314, G>C. VCF-style: chr21-33550314-G-C. GRCh37 (hg19) VCF-style: chr21-34922620-G-C.
Other names: c.1083G>C, p.Leu361Phe (NM_001291411.2, NM_032195.3); c.244+3935G>C (NM_001291412.3); short protein forms L361F.
Identifiers: ClinVar variation 3614414 (VCV003614414.2).